The following is an entry in ClinVar:

NM_000260.4(MYO7A):c.3652G>A (p.Gly1218Arg)

Gene: MYO7A (myosin VIIA; plus strand). Cytogenetic location: 11q13.5.
Variant type: single nucleotide variant.
Coding change: c.3652G>A on transcript NM_000260.4 (MANE Select); coding-DNA position 3652, G replaced by A.
Protein change: p.Gly1218Arg; replaces glycine 1218 with arginine.
Molecular consequence: missense variant.
Genome position (GRCh38, 1-based): chr11:77,190,041, G>A. VCF-style: chr11-77190041-G-A. GRCh37 (hg19) VCF-style: chr11-76901086-G-A.
Other names: c.3652G>A, p.Gly1218Arg (NM_001127180.2); c.3619G>A, p.Gly1207Arg (NM_001369365.1); short protein forms G1218R, G1207R.
Identifiers: ClinVar variation 43216 (VCV000043216.15), dbSNP rs111033195, ClinGen allele CA132301.

ClinVar aggregate classification (germline): Pathogenic/Likely pathogenic. Review status: criteria provided, multiple submitters, no conflicts (2 of 4 stars). 5 submissions from 5 submitters: Pathogenic (1); Likely pathogenic (3). 1 of the submissions does not count toward it. Last evaluated 2025-05-06.

Conditions:
Usher syndrome. Also called: Usher Syndromes; Usher's syndrome. Identifiers: Orphanet 886, MedGen CN469326, MeSH D052245, MONDO:0019501. Disease mechanism: loss of function.
Usher syndrome type 1 (USH1). Also called: RETINITIS PIGMENTOSA AND CONGENITAL DEAFNESS. Identifiers: Orphanet 231169, Orphanet 886, MedGen C1568247, MONDO:0010168, OMIM 276900.
Usher syndrome type 1B (USH1B). Also called: Usher syndrome type IB. Identifiers: MedGen C1848638, MONDO:0700087.

Allele frequency attached by ClinVar (database versions not stated): ExAC 0.00005; TOPMed 0.00001; gnomAD exomes 0.00001.
gnomAD v4.1: 7 of 1,560,924 alleles (0.00045%); highest among the groups gnomAD compares: Non-Finnish European, 0.00061%; no homozygotes.

Submissions (5):

Myriad Genetics, Inc.
Classification: Likely pathogenic for Usher syndrome type 1. Last evaluated: 2025-05-06. Review status: criteria provided, single submitter. Criteria: Myriad Autosomal Dominant, Autosomal Recessive and X-Linked Classification Criteria (2023). Collection method: clinical testing. Allele origin: unknown.
Comment: NM_000260.3(MYO7A):c.3652G>A(G1218R) is a missense variant classified as likely pathogenic in the context of MYO7A-related disorders. G1218R has been observed in cases with relevant disease (PMID: 29196752, 17361009, 34948090). Relevant functional assessments of this variant are not available in the literature. G1218R has been observed in referenced population frequency databases. In summary, NM_000260.3(MYO7A):c.3652G>A(G1218R) is a missense variant that has been observed more frequently in cases with the relevant disease than in healthy populations. Please note: this variant was assessed in the context of healthy population screening.

Natera, Inc.
Classification: Likely pathogenic for Usher syndrome type 1B. Last evaluated: 2025-04-14. Review status: criteria provided, single submitter. Criteria: Natera Variant Classification Schema (03/2026). Collection method: clinical testing. Allele origin: germline.
Comment: The c.3652G>A variant in MYO7A is a missense variant predicted to cause substitution of glycine to arginine at amino acid 1218. This variant is rare in the general population with a frequency below the threshold expected for the associated phenotype(s). This variant has been observed in one or more individuals affected with the associated recessive disease, as either homozygous or compound heterozygous with a second variant (PMID: 17361009, 29196752, 38884554). Functional studies show that this variant may disrupt protein function (PMID: 23451239). Given the available evidence, this variant is classified as Likely Pathogenic.

Labcorp Genetics (formerly Invitae), Labcorp
Classification: Likely pathogenic. Last evaluated: 2024-10-28. Review status: criteria provided, single submitter. Criteria: Invitae Variant Classification Sherloc (09022015). Collection method: clinical testing. Allele origin: germline.
Comment: This sequence change replaces glycine, which is neutral and non-polar, with arginine, which is basic and polar, at codon 1218 of the MYO7A protein (p.Gly1218Arg). This variant is not present in population databases (gnomAD no frequency). This missense change has been observed in individuals with autosomal recessive deafness and/or Usher syndrome (PMID: 17361009, 29196752, 34948090). ClinVar contains an entry for this variant (Variation ID: 43216). Invitae Evidence Modeling of protein sequence and biophysical properties (such as structural, functional, and spatial information, amino acid conservation, physicochemical variation, residue mobility, and thermodynamic stability) indicates that this missense variant is not expected to disrupt MYO7A protein function with a negative predictive value of 95%. Studies have shown that this missense change alters mRNA splicing and is expected to lead to the loss of protein expression (PMID: 23451239). In summary, the currently available evidence indicates that the variant is pathogenic, but additional data are needed to prove that conclusively. Therefore, this variant has been classified as Likely Pathogenic.

Women's Health and Genetics/Laboratory Corporation of America, LabCorp
Classification: Pathogenic for Usher syndrome. Last evaluated: 2023-04-27. Review status: criteria provided, single submitter. Criteria: LabCorp Variant Classification Summary - May 2015. Collection method: clinical testing. Allele origin: germline.
Comment: Variant summary: MYO7A c.3652G>A (p.Gly1218Arg) results in a non-conservative amino acid change located in the MyTH4 domain (IPR000857) of the encoded protein sequence. Three of five in-silico tools predict a benign effect of the variant on protein function. Several computational tools predict a significant impact on normal splicing: Four predict the variant creates a cryptic exonic 3 acceptor site. Experimental evidence indicate the variant affects mRNA splicing (Aparisi_2013). The variant allele was found at a frequency of 5.8e-06 in 172088 control chromosomes (gnomAD). c.3652G>A has been reported in the literature in individuals affected with Usher Syndrome (Jaijo_2007, Baux_2017, Mansard_2021). These data indicate that the variant is likely to be associated with disease. The following publications have been ascertained in the context of this evaluation (PMID: 23451239, 29196752, 17361009, 34948090, 33258288). One clinical diagnostic laboratory has submitted clinical-significance assessments for this variant to ClinVar after 2014 and classified the variant as uncertain significance. Based on the evidence outlined above, the variant was classified as pathogenic.

Laboratory for Molecular Medicine, Mass General Brigham Personalized Medicine
Classification: Uncertain significance. Last evaluated: 2008-03-01. Review status: flagged submission. Criteria: LMM Criteria. Collection method: clinical testing. Allele origin: germline. Observed: 1 variant allele. Not counted in ClinVar's aggregate classification.
ClinVar note: Reason: Older and outlier claim with insufficient supporting evidence

Literature cited by the submitters: PubMed 17361009 (cited by 4 submitters); PubMed 29196752 (cited by 4 submitters); PubMed 34948090 (cited by 3 submitters); PubMed 38884554 (cited by Natera, Inc.); PubMed 23451239 (cited by 3 submitters); PubMed 33258288 (cited by Women's Health and Genetics/Laboratory Corporation of America, LabCorp).